The following is an entry in ClinVar:

NM_001287.6(CLCN7):c.1577G>A (p.Arg526Gln)

Gene: CLCN7 (Cl-/H+ antiporter 7; minus strand). Cytogenetic location: 16p13.3.
Variant type: single nucleotide variant.
Coding change: c.1577G>A on transcript NM_001287.6 (MANE Select); coding-DNA position 1577, G replaced by A.
Protein change: p.Arg526Gln; replaces arginine 526 with glutamine.
Molecular consequence: missense variant.
Genome position (GRCh38, 1-based): chr16:1,450,537, C>T on the plus strand (G>A on the coding strand, the complement: CLCN7 is on the minus strand). VCF-style: chr16-1450537-C-T. GRCh37 (hg19) VCF-style: chr16-1500538-C-T.
Other names: c.1505G>A, p.Arg502Gln (NM_001114331.3); short protein forms R502Q, R526Q.
Identifiers: ClinVar variation 2137753 (VCV002137753.6), dbSNP rs139329533, ClinGen allele CA276673382.

ClinVar aggregate classification (germline): Likely pathogenic. Review status: criteria provided, multiple submitters, no conflicts (2 of 4 stars). 2 submissions from 2 submitters: Likely pathogenic (2). Last evaluated 2026-04-01.

Allele frequency attached by ClinVar (database versions not stated): TOPMed 0.00001; gnomAD 0.00002; ESP Exome Variant Server 0.00008.
gnomAD v4.1: 10 of 1,610,344 alleles (0.00062%); highest among the groups gnomAD compares: Middle Eastern, 0.017%; no homozygotes.

Submissions (2):

CeGaT Center for Human Genetics Tuebingen
Classification: Likely pathogenic. Last evaluated: 2026-04-01. Review status: criteria provided, single submitter. Criteria: CeGaT Center For Human Genetics Tuebingen Variant Classification Criteria Version 2. Collection method: clinical testing. Allele origin: germline. Affected: yes. Observed: 2 variant alleles.
Comment: CLCN7: PM2, PM3, PM5, PP3, PS3:Supporting

Labcorp Genetics (formerly Invitae), Labcorp
Classification: Likely pathogenic. Last evaluated: 2023-11-19. Review status: criteria provided, single submitter. Criteria: Invitae Variant Classification Sherloc (09022015). Collection method: clinical testing. Allele origin: germline.
Comment: This sequence change replaces arginine, which is basic and polar, with glutamine, which is neutral and polar, at codon 526 of the CLCN7 protein (p.Arg526Gln). The frequency data for this variant in the population databases is considered unreliable, as metrics indicate poor data quality at this position in the gnomAD database. This missense change has been observed in individuals with autosomal recessive osteopetrosis (PMID: 19953639, 22419446). ClinVar contains an entry for this variant (Variation ID: 2137753). An algorithm developed to predict the effect of missense changes on protein structure and function (PolyPhen-2) suggests that this variant is likely to be disruptive. This variant disrupts the p.Arg526 amino acid residue in CLCN7. Other variant(s) that disrupt this residue have been determined to be pathogenic (PMID: 14584882, 19953639). This suggests that this residue is clinically significant, and that variants that disrupt this residue are likely to be disease-causing. In summary, the currently available evidence indicates that the variant is pathogenic, but additional data are needed to prove that conclusively. Therefore, this variant has been classified as Likely Pathogenic.

Literature cited by the submitters: PubMed 19953639 (cited by Labcorp Genetics (formerly Invitae), Labcorp); PubMed 22419446 (cited by Labcorp Genetics (formerly Invitae), Labcorp); PubMed 14584882 (cited by Labcorp Genetics (formerly Invitae), Labcorp).